The following is an entry in ClinVar:

ClinVar aggregate classification (germline): Uncertain significance (1 of 4 stars; one submission).

Submission:

Labcorp Genetics (formerly Invitae), Labcorp
Classification: Uncertain significance. Last evaluated: 2023-10-03. Review status: criteria provided, single submitter. Criteria: Invitae Variant Classification Sherloc (09022015). Collection method: clinical testing. Allele origin: germline.
Comment: This sequence change replaces glutamine, which is neutral and polar, with histidine, which is basic and polar, at codon 52 of the ADIPOR1 protein (p.Gln52His). This variant is not present in population databases (gnomAD no frequency). This variant has not been reported in the literature in individuals affected with ADIPOR1-related conditions. ClinVar contains an entry for this variant (Variation ID: 2095119). An algorithm developed to predict the effect of missense changes on protein structure and function (PolyPhen-2) suggests that this variant is likely to be tolerated. In summary, the available evidence is currently insufficient to determine the role of this variant in disease. Therefore, it has been classified as a Variant of Uncertain Significance.

NM_015999.6(ADIPOR1):c.156A>T (p.Gln52His)

Gene: ADIPOR1 (adiponectin receptor 1; minus strand). Cytogenetic location: 1q32.1.
Variant type: single nucleotide variant.
Coding change: c.156A>T on transcript NM_015999.6 (MANE Select); coding-DNA position 156, A replaced by T.
Protein change: p.Gln52His; replaces glutamine 52 with histidine.
Molecular consequence: missense variant.
Genome position (GRCh38, 1-based): chr1:202,948,406, T>A on the plus strand (A>T on the coding strand, the complement: ADIPOR1 is on the minus strand). VCF-style: chr1-202948406-T-A. GRCh37 (hg19) VCF-style: chr1-202917534-T-A.
Other names: c.156A>T, p.Gln52His (NM_001127687.1, NM_001290553.2, NM_001290557.1 and 1 more transcripts); short protein forms Q52H.
Identifiers: ClinVar variation 2095119 (VCV002095119.4), dbSNP rs2527477348, ClinGen allele CA344283774.
Genomic context (GRCh38, chr1:202,948,406, plus strand): 5'-TTGCAGGGGAAGTGTCAGTACCCGCACCTCCTCCTCTTCTTCCTGGGGCACTGGGCATGT[T>A]TGCTCTTCTTCAGCCTATGGGGGAAAAAACCCACAACAATCCAGGGAGTCATCTCATAAA-3'
Protein context (NP_057083.2, residues 42-62): IANPPKAEEE[Gln52His]TCPVPQEEEE